The following is an entry in ClinVar:

ClinVar aggregate classification (germline): Uncertain significance (1 of 4 stars; one submission).

Submission:

Labcorp Genetics (formerly Invitae), Labcorp
Classification: Uncertain significance. Last evaluated: 2023-06-20. Review status: criteria provided, single submitter. Criteria: Invitae Variant Classification Sherloc (09022015). Collection method: clinical testing. Allele origin: unknown.
Comment: In summary, the available evidence is currently insufficient to determine the role of this variant in disease. Therefore, it has been classified as a Variant of Uncertain Significance. This variant has not been reported in the literature in individuals affected with EFEMP1-related conditions. A gross deletion of the genomic region encompassing the full coding sequence of the EFEMP1 gene has been identified. The current clinical and genetic evidence is not sufficient to establish whether loss-of-function variants in EFEMP1 cause disease. The boundaries of this event are unknown as they extend beyond the assayed region for this gene and therefore may encompass additional genes.

NC_000002.11:g.(?_55887272)_(56149575_?)del

Genes: EFEMP1 (EGF containing fibulin extracellular matrix protein 1; minus strand), PNPT1 (polyribonucleotide nucleotidyltransferase 1; minus strand). Cytogenetic location: 2p16.1.
Variant type: Deletion.
Identifiers: ClinVar variation 3247475 (VCV003247475.1).